The following is an entry in ClinVar:

NM_000287.4(PEX6):c.2805A>G (p.Glu935=)

Gene: PEX6 (peroxisomal biogenesis factor 6; minus strand). Cytogenetic location: 6p21.1.
Variant type: single nucleotide variant.
Coding change: c.2805A>G on transcript NM_000287.4 (MANE Select); coding-DNA position 2805, A replaced by G.
Protein change: p.Glu935=; no amino-acid change (glutamic acid 935 retained).
Molecular consequence: synonymous variant. On other transcripts: non-coding transcript variant (1).
Genome position (GRCh38, 1-based): chr6:42,964,791, T>C on the plus strand (A>G on the coding strand, the complement: PEX6 is on the minus strand). VCF-style: chr6-42964791-T-C. GRCh37 (hg19) VCF-style: chr6-42932529-T-C.
Other names: c.2541A>G, p.Glu847= (NM_001316313.2).
Identifiers: ClinVar variation 1406565 (VCV001406565.8), dbSNP rs918460295, ClinGen allele CA138221239.
Genomic context (GRCh38, chr6:42,964,791, plus strand): 5'-GGTGCACCCAGCTCCCCACTAGCTTTTTGGTTGACCTCTCAGACCGGCAAGTGGCTCACC[T>C]TCCTCCAGGTCATGAACCCTGCGTTTGAGGGCAGCTGTCATAGCATCAGAGCAGAGAGAG-3'
Protein context (NP_000278.3, residues 925-945): ALKRRVHDLE[Glu935=]GLEPGSSALM

ClinVar aggregate classification (germline): Uncertain significance. Review status: criteria provided, multiple submitters, no conflicts (2 of 4 stars). 2 submissions from 2 submitters: Uncertain significance (2). Last evaluated 2025-11-26.

Conditions:
Peroxisome biogenesis disorder. Identifiers: Orphanet 79189, MedGen C1832200, MONDO:0019234. Disease mechanism: loss of function.

Allele frequency attached by ClinVar (database versions not stated): gnomAD 0.00001; gnomAD exomes below 0.00001; TOPMed 0.00002.

Submissions (2):

Dasa
Classification: Uncertain significance. Last evaluated: 2025-11-26. Review status: criteria provided, single submitter. Criteria: DASA Assertion Criteria. Collection method: clinical testing. Allele origin: germline.
Comment: NM_000287.4(PEX6):c.2805A>G (p.Glu935=) is a synonymous variant predicted not to alter the encoded amino acid sequence. This variant is rare in population databases. The currently available literature and clinical evidence are not sufficient to establish a definitive association between this variant and the reported condition. Therefore, this variant is classified as a variant of uncertain significance.

Labcorp Genetics (formerly Invitae), Labcorp
Classification: Uncertain significance for Peroxisome biogenesis disorder. Last evaluated: 2022-07-27. Review status: criteria provided, single submitter. Criteria: Invitae Variant Classification Sherloc (09022015). Collection method: clinical testing. Allele origin: germline.
Comment: This sequence change affects codon 935 of the PEX6 mRNA. It is a 'silent' change, meaning that it does not change the encoded amino acid sequence of the PEX6 protein. It affects a nucleotide within the consensus splice site. This variant is present in population databases (no rsID available, gnomAD 0.003%). This variant has not been reported in the literature in individuals affected with PEX6-related conditions. ClinVar contains an entry for this variant (Variation ID: 1406565). Algorithms developed to predict the effect of sequence changes on RNA splicing suggest that this variant is not likely to affect RNA splicing. In summary, the available evidence is currently insufficient to determine the role of this variant in disease. Therefore, it has been classified as a Variant of Uncertain Significance.